The following is an entry in ClinVar:

NM_177438.3(DICER1):c.2875A>T (p.Lys959Ter)

Gene: DICER1 (dicer 1, ribonuclease III; minus strand). Cytogenetic location: 14q32.13.
Variant type: single nucleotide variant.
Coding change: c.2875A>T on transcript NM_177438.3 (MANE Select); coding-DNA position 2875, A replaced by T.
Protein change: p.Lys959Ter; replaces lysine 959 with a stop codon.
Molecular consequence: nonsense.
Genome position (GRCh38, 1-based): chr14:95,106,153, T>A on the plus strand (A>T on the coding strand, the complement: DICER1 is on the minus strand). VCF-style: chr14-95106153-T-A. GRCh37 (hg19) VCF-style: chr14-95572490-T-A.
Other names: c.2875A>T, p.Lys959Ter (NM_001195573.1, NM_001271282.3, NM_001291628.2 and 1 more transcripts); short protein forms K959*.
Identifiers: ClinVar variation 933068 (VCV000933068.3), dbSNP rs1891403160, ClinGen allele CA390879055.

ClinVar aggregate classification (germline): Pathogenic (1 of 4 stars; one submission).

Conditions:
DICER1-related tumor predisposition. Also called: DICER1-related pleuropulmonary blastoma cancer predisposition syndrome; DICER1 syndrome. Identifiers: Orphanet 284343, MedGen C3839822, MONDO:0100216.

Submission:

Foulkes Cancer Genetics LDI, Lady Davis Institute for Medical Research
Classification: Pathogenic for Pleuropulmonary blastoma. Last evaluated: 2019-07-01. Review status: criteria provided, single submitter. Criteria: ACMG Guidelines, 2015. Collection method: curation. Allele origin: somatic. Affected: yes. Observed: 1 variant allele.
Comment: ACMG criteria met: PVS1, PM2, PP3

Literature cited by the submitters: PubMed 29474644.